The following is an entry in ClinVar:

ClinVar aggregate classification (germline): Uncertain significance (1 of 4 stars; one submission).

Conditions:
Bloom syndrome (BLM). Also called: Bloom-Torre-Machacek syndrome. Identifiers: Orphanet 125, MedGen C0005859, MONDO:0008876, OMIM 210900.

Submission:

Labcorp Genetics (formerly Invitae), Labcorp
Classification: Uncertain significance for Bloom syndrome. Last evaluated: 2023-11-08. Review status: criteria provided, single submitter. Criteria: Invitae Variant Classification Sherloc (09022015). Collection method: clinical testing. Allele origin: germline.
Comment: This sequence change replaces proline, which is neutral and non-polar, with leucine, which is neutral and non-polar, at codon 1412 of the BLM protein (p.Pro1412Leu). This variant is not present in population databases (gnomAD no frequency). This variant has not been reported in the literature in individuals affected with BLM-related conditions. An algorithm developed to predict the effect of missense changes on protein structure and function (PolyPhen-2) suggests that this variant is likely to be disruptive. In summary, the available evidence is currently insufficient to determine the role of this variant in disease. Therefore, it has been classified as a Variant of Uncertain Significance.

NM_000057.4(BLM):c.4235C>T (p.Pro1412Leu)

Gene: BLM (BLM RecQ like helicase; plus strand). Cytogenetic location: 15q26.1.
Variant type: single nucleotide variant.
Coding change: c.4235C>T on transcript NM_000057.4 (MANE Select); coding-DNA position 4235, C replaced by T.
Protein change: p.Pro1412Leu; replaces proline 1412 with leucine.
Molecular consequence: missense variant.
Genome position (GRCh38, 1-based): chr15:90,815,260, C>T. VCF-style: chr15-90815260-C-T. GRCh37 (hg19) VCF-style: chr15-91358490-C-T.
Other names: c.4235C>T, p.Pro1412Leu (NM_001287246.2); c.3842C>T, p.Pro1281Leu (NM_001287247.2); c.3110C>T, p.Pro1037Leu (NM_001287248.2); short protein forms P1412L, P1037L, P1281L.
Identifiers: ClinVar variation 2694307 (VCV002694307.3), dbSNP rs2151202454, ClinGen allele CA393853292.